The following is an entry in ClinVar:

ClinVar aggregate classification (germline): Likely benign. Review status: criteria provided, multiple submitters, no conflicts (2 of 4 stars). 3 submissions from 3 submitters: Likely benign (3). Last evaluated 2026-06-01.

Allele frequency attached by ClinVar (database versions not stated): gnomAD 0.00007; TOPMed 0.00008; ExAC 0.00012; gnomAD exomes 0.00014; 1000 Genomes Project 0.00020; ESP Exome Variant Server 0.00023; 1000 Genomes Project 30x 0.00047.
gnomAD v4.1: 206 of 1,614,068 alleles (0.013%); highest among the groups gnomAD compares: Non-Finnish European, 0.016%; no homozygotes.

Submissions (3):

CeGaT Center for Human Genetics Tuebingen
Classification: Likely benign. Last evaluated: 2026-06-01. Review status: criteria provided, single submitter. Criteria: CeGaT Center For Human Genetics Tuebingen Variant Classification Criteria Version 2. Collection method: clinical testing. Allele origin: germline. Affected: yes. Observed: 1 variant allele.
Comment: TET2: BP4, BP7

Labcorp Genetics (formerly Invitae), Labcorp
Classification: Likely benign. Last evaluated: 2025-12-11. Review status: criteria provided, single submitter. Criteria: Invitae Variant Classification Sherloc (09022015). Collection method: clinical testing. Allele origin: germline.

Ambry Genetics
Classification: Likely benign. Last evaluated: 2024-11-18. Review status: criteria provided, single submitter. Criteria: Ambry Variant Classification Scheme 2023. Collection method: clinical testing. Allele origin: germline.

NM_001127208.3(TET2):c.651C>T (p.Ser217=)

Genes: TET2 (tet methylcytosine dioxygenase 2; plus strand), TET2-AS1 (TET2 antisense RNA 1; minus strand). Cytogenetic location: 4q24.
Variant type: single nucleotide variant.
Coding change: c.651C>T on transcript NM_001127208.3 (MANE Select); coding-DNA position 651, C replaced by T.
Protein change: p.Ser217=; no amino-acid change (serine 217 retained).
Molecular consequence: synonymous variant.
Genome position (GRCh38, 1-based): chr4:105,234,593, C>T. VCF-style: chr4-105234593-C-T. GRCh37 (hg19) VCF-style: chr4-106155750-C-T.
Other names: c.651C>T, p.Ser217= (NM_017628.4).
Identifiers: ClinVar variation 2895045 (VCV002895045.6), dbSNP rs142173406, ClinGen allele CA3031537.
Genomic context (GRCh38, chr4:105,234,593, plus strand): 5'-TGTATTACTTAAAAACAAGGCAGTGCTAATGCCTAATGGTGCTACAGTTTCTGCCTCTTC[C>T]GTGGAACACACACATGGTGAACTCCTGGAAAAAACACTGTCTCAATATTATCCAGATTGT-3'
Protein context (NP_001120680.1, residues 207-227): MPNGATVSAS[Ser217=]VEHTHGELLE